The following is an entry in ClinVar:

NM_001142966.3(GREB1L):c.2018C>T (p.Pro673Leu)

Gene: GREB1L (GREB1 like retinoic acid receptor coactivator; plus strand). Cytogenetic location: 18q11.1.
Variant type: single nucleotide variant.
Coding change: c.2018C>T on transcript NM_001142966.3 (MANE Select); coding-DNA position 2018, C replaced by T.
Protein change: p.Pro673Leu; replaces proline 673 with leucine.
Molecular consequence: missense variant.
Genome position (GRCh38, 1-based): chr18:21,454,399, C>T. VCF-style: chr18-21454399-C-T. GRCh37 (hg19) VCF-style: chr18-19034360-C-T.
Other names: c.2147C>T, p.Pro716Leu (NM_001410867.1); c.1691C>T, p.Pro564Leu (NM_001410868.1); short protein forms P564L, P673L, P716L.
Identifiers: ClinVar variation 3611096 (VCV003611096.2).

ClinVar aggregate classification (germline): Uncertain significance (1 of 4 stars; one submission).

gnomAD v4.1: 17 of 1,551,410 alleles (0.0011%); highest among the groups gnomAD compares: East Asian, 0.0073%; no homozygotes.

Submission:

Labcorp Genetics (formerly Invitae), Labcorp
Classification: Uncertain significance. Last evaluated: 2024-05-23. Review status: criteria provided, single submitter. Criteria: Invitae Variant Classification Sherloc (09022015). Collection method: clinical testing. Allele origin: germline.
Comment: This sequence change replaces proline, which is neutral and non-polar, with leucine, which is neutral and non-polar, at codon 673 of the GREB1L protein (p.Pro673Leu). This variant is present in population databases (rs762475397, gnomAD 0.008%). This variant has not been reported in the literature in individuals affected with GREB1L-related conditions. An algorithm developed to predict the effect of missense changes on protein structure and function (PolyPhen-2) suggests that this variant is likely to be tolerated. In summary, the available evidence is currently insufficient to determine the role of this variant in disease. Therefore, it has been classified as a Variant of Uncertain Significance.